The following is an entry in ClinVar:

ClinVar aggregate classification (germline): Likely benign (1 of 4 stars; one submission).

Submission:

CeGaT Center for Human Genetics Tuebingen
Classification: Likely benign. Last evaluated: 2025-05-01. Review status: criteria provided, single submitter. Criteria: CeGaT Center For Human Genetics Tuebingen Variant Classification Criteria Version 2. Collection method: clinical testing. Allele origin: germline. Affected: yes. Observed: 1 variant allele.
Comment: DSG2: BP4, BP7

NM_001943.5(DSG2):c.45+7510T>G

Gene: DSG2 (desmoglein 2; plus strand). Cytogenetic location: 18q12.1.
Variant type: single nucleotide variant.
Coding change: c.45+7510T>G on transcript NM_001943.5 (MANE Select); 7510 bases into the intron after coding-DNA position 45, T replaced by G.
Molecular consequence: intron variant.
Genome position (GRCh38, 1-based): chr18:31,505,806, T>G. VCF-style: chr18-31505806-T-G. GRCh37 (hg19) VCF-style: chr18-29085769-T-G.
Identifiers: ClinVar variation 3905946 (VCV003905946.10).